The following is an entry in ClinVar:

NM_022124.6(CDH23):c.5683C>T (p.Arg1895Cys)

Gene: CDH23 (cadherin related 23; plus strand). Cytogenetic location: 10q22.1.
Variant type: single nucleotide variant.
Coding change: c.5683C>T on transcript NM_022124.6 (MANE Select); coding-DNA position 5683, C replaced by T.
Protein change: p.Arg1895Cys; replaces arginine 1895 with cysteine.
Molecular consequence: missense variant.
Genome position (GRCh38, 1-based): chr10:71,785,071, C>T. VCF-style: chr10-71785071-C-T. GRCh37 (hg19) VCF-style: chr10-73544828-C-T.
Other names: short protein forms R1895C.
Identifiers: ClinVar variation 970088 (VCV000970088.5), dbSNP rs201490610, ClinGen allele CA5545835.

ClinVar aggregate classification (germline): Uncertain significance. Review status: criteria provided, multiple submitters, no conflicts (2 of 4 stars). 3 submissions from 3 submitters: Uncertain significance (2). 1 of the submissions does not count toward it. Last evaluated 2023-05-16.

Conditions:
Usher syndrome type 1 (USH1). Also called: RETINITIS PIGMENTOSA AND CONGENITAL DEAFNESS. Identifiers: Orphanet 231169, Orphanet 886, MedGen C1568247, MONDO:0010168, OMIM 276900.

Allele frequency attached by ClinVar (database versions not stated): gnomAD 0.00001 and 0.00002; TOPMed 0.00001; gnomAD exomes 0.00002 and 0.00003; ExAC 0.00003.
gnomAD v4.1: 41 of 1,613,940 alleles (0.0025%); highest among the groups gnomAD compares: South Asian, 0.0055%; no homozygotes.

Submissions (3):

Blueprint Genetics
Classification: Uncertain significance. Last evaluated: 2023-05-16. Review status: criteria provided, single submitter. Criteria: ACMG Guidelines, 2015. Collection method: clinical testing. Allele origin: germline.

Labcorp Genetics (formerly Invitae), Labcorp
Classification: Uncertain significance. Last evaluated: 2022-08-22. Review status: criteria provided, single submitter. Criteria: Invitae Variant Classification Sherloc (09022015). Collection method: clinical testing. Allele origin: germline.
Comment: This sequence change replaces arginine, which is basic and polar, with cysteine, which is neutral and slightly polar, at codon 1895 of the CDH23 protein (p.Arg1895Cys). This variant is present in population databases (rs201490610, gnomAD 0.004%). This variant has not been reported in the literature in individuals affected with CDH23-related conditions. ClinVar contains an entry for this variant (Variation ID: 970088). Algorithms developed to predict the effect of missense changes on protein structure and function are either unavailable or do not agree on the potential impact of this missense change (SIFT: "Deleterious"; PolyPhen-2: "Not Available"; Align-GVGD: "Class C55"). In summary, the available evidence is currently insufficient to determine the role of this variant in disease. Therefore, it has been classified as a Variant of Uncertain Significance.

Natera, Inc.
Classification: Uncertain significance for Usher syndrome type 1. Last evaluated: 2021-02-10. Review status: no assertion criteria provided. Collection method: clinical testing. Allele origin: germline. Not counted in ClinVar's aggregate classification.